The following is an entry in ClinVar:

ClinVar aggregate classification (germline): Uncertain significance (1 of 4 stars; one submission).

Conditions:
Hereditary cancer-predisposing syndrome. Also called: Neoplastic Syndromes, Hereditary; Tumor predisposition; Hereditary Cancer Syndrome; Hereditary neoplastic syndrome. Identifiers: Orphanet 140162, MedGen C0027672, MeSH D009386, MONDO:0015356.

Submission:

Ambry Genetics
Classification: Uncertain significance for Hereditary cancer-predisposing syndrome. Last evaluated: 2025-10-23. Review status: criteria provided, single submitter. Criteria: Ambry Variant Classification Scheme 2023. Collection method: clinical testing. Allele origin: germline.
Comment: The p.A153V variant (also known as c.458C>T), located in coding exon 3 of the STK11 gene, results from a C to T substitution at nucleotide position 458. The alanine at codon 153 is replaced by valine, an amino acid with similar properties. This amino acid position is highly conserved in available vertebrate species. In addition, the in silico prediction for this alteration is inconclusive. Since supporting evidence is limited at this time, the clinical significance of this alteration remains unclear.

NM_000455.5(STK11):c.458C>T (p.Ala153Val)

Gene: STK11 (serine/threonine kinase 11; plus strand). Cytogenetic location: 19p13.3.
Variant type: single nucleotide variant.
Coding change: c.458C>T on transcript NM_000455.5 (MANE Select); coding-DNA position 458, C replaced by T.
Protein change: p.Ala153Val; replaces alanine 153 with valine.
Molecular consequence: missense variant.
Genome position (GRCh38, 1-based): chr19:1,219,407, C>T. VCF-style: chr19-1219407-C-T. GRCh37 (hg19) VCF-style: chr19-1219406-C-T.
Other names: short protein forms A153V.
Identifiers: ClinVar variation 484994 (VCV000484994.6), dbSNP rs1555737824, ClinGen allele CA402948385.